The following is an entry in ClinVar:

ClinVar aggregate classification (germline): Likely benign. Review status: criteria provided, multiple submitters, no conflicts (2 of 4 stars). 4 submissions from 4 submitters: Likely benign (4). Last evaluated 2026-01-06.

Conditions:
Hereditary spastic paraplegia 11. Also called: Spastic Paraplegia 11; Spastic paraplegia, mental retardation and thin corpus callosum; Nakamura Osame syndrome; Autosomal recessive hereditary spastic paraplegia, mental impairment, and thin corpus callosum; SPASTIC PARAPLEGIA, AUTOSOMAL RECESSIVE, COMPLICATED, WITH THIN CORPUS CALLOSUM; SPASTIC PARAPLEGIA, AUTOSOMAL RECESSIVE, WITH MENTAL IMPAIRMENT AND THIN CORPUS CALLOSUM. Identifiers: Orphanet 2822, MedGen C1858479, MONDO:0011445, OMIM 604360.
SPG11-related disorder. Also called: SPG11-related condition.
Inborn genetic diseases. Identifiers: MedGen C0950123, MeSH D030342.

Allele frequency attached by ClinVar (database versions not stated): TOPMed 0.00001; ESP Exome Variant Server 0.00008.
gnomAD v4.1: 13 of 1,613,982 alleles (0.00081%); highest among the groups gnomAD compares: Middle Eastern, 0.016%; no homozygotes.

Submissions (4):

Labcorp Genetics (formerly Invitae), Labcorp
Classification: Likely benign for Hereditary spastic paraplegia 11. Last evaluated: 2026-01-06. Review status: criteria provided, single submitter. Criteria: Invitae Variant Classification Sherloc (09022015). Collection method: clinical testing. Allele origin: germline.

PreventionGenetics, part of Exact Sciences
Classification: Likely benign for SPG11-related condition. Last evaluated: 2025-12-12. Review status: criteria provided, single submitter. Criteria: ACMG Guidelines, 2015. Collection method: clinical testing. Allele origin: germline.
Comment: This variant is classified as likely benign based on ACMG/AMP sequence variant interpretation guidelines (Richards et al. 2015 PMID: 25741868, with internal and published modifications).

Blueprint Genetics
Classification: Likely benign. Last evaluated: 2020-12-23. Review status: criteria provided, single submitter. Criteria: ACMG Guidelines, 2015. Collection method: clinical testing. Allele origin: germline.

Ambry Genetics
Classification: Likely benign for Inborn genetic diseases. Last evaluated: 2019-07-11. Review status: criteria provided, single submitter. Criteria: Ambry Variant Classification Scheme 2023. Collection method: clinical testing. Allele origin: germline.

NM_025137.4(SPG11):c.339G>T (p.Leu113=)

Gene: SPG11 (SPG11 vesicle trafficking associated, spatacsin; minus strand). Cytogenetic location: 15q21.1.
Variant type: single nucleotide variant.
Coding change: c.339G>T on transcript NM_025137.4 (MANE Select); coding-DNA position 339, G replaced by T.
Protein change: p.Leu113=; no amino-acid change (leucine 113 retained).
Molecular consequence: synonymous variant.
Genome position (GRCh38, 1-based): chr15:44,660,535, C>A on the plus strand (G>T on the coding strand, the complement: SPG11 is on the minus strand). VCF-style: chr15-44660535-C-A. GRCh37 (hg19) VCF-style: chr15-44952733-C-A.
Other names: c.339G>T, p.Leu113= (NM_001160227.2).
Identifiers: ClinVar variation 534898 (VCV000534898.12), dbSNP rs373238538, ClinGen allele CA7535865.